The following is an entry in ClinVar:

NC_000015.9:g.(?_62320751)_(62325717_?)del

Gene: VPS13C (vacuolar protein sorting 13 homolog C; minus strand). Cytogenetic location: 15q22.2.
Variant type: Deletion.
Identifiers: ClinVar variation 1441228 (VCV001441228.5).

ClinVar aggregate classification (germline): Uncertain significance (1 of 4 stars; one submission).

Submission:

Labcorp Genetics (formerly Invitae), Labcorp
Classification: Uncertain significance. Last evaluated: 2022-07-19. Review status: criteria provided, single submitter. Criteria: Invitae Variant Classification Sherloc (09022015). Collection method: clinical testing. Allele origin: germline.
Comment: In summary, the available evidence is currently insufficient to determine the role of this variant in disease. Therefore, it has been classified as a Variant of Uncertain Significance. This variant has not been reported in the literature in individuals affected with VPS13C-related conditions. This variant results in the deletion of part of exon 5 (c.308_386-132delinsCAT) of the VPS13C gene. It is expected to disrupt RNA splicing. Variants that disrupt the donor or acceptor splice site typically lead to a loss of protein function (PMID: 16199547), however the current clinical and genetic evidence is not sufficient to establish whether loss-of-function variants in VPS13C cause disease.

Literature cited by the submitters: PubMed 16199547.